The following is an entry in ClinVar:

NM_007186.6(CEP250):c.6451_6462del (p.Glu2151_Arg2154del)

Gene: CEP250 (centrosomal protein 250; plus strand). Cytogenetic location: 20q11.22.
Variant type: Deletion.
Coding change: c.6451_6462del on transcript NM_007186.6 (MANE Select); coding-DNA positions 6451 to 6462, 12 bases deleted (GAGCTGGAGCGG).
Protein change: p.Glu2151_Arg2154del.
Molecular consequence: inframe deletion.
Genome position (GRCh38, 1-based): chr20:35,504,820-35,504,831, GAGCTGGAGCGG deleted; deleting any 12 consecutive bases within chr20:35,504,815-35,504,831 gives the same sequence; the c. name uses the placement nearest the transcript's 3' end. VCF-style (leftmost placement, unchanged base first): chr20-35504814-CAGCGGGAGCTGG-C. GRCh37 (hg19) VCF-style: chr20-34092642-CAGCGGGAGCTGG-C.
Other names: c.4555_4566del, p.Glu1519_Arg1522del (NM_001318219.1).
Identifiers: ClinVar variation 1059081 (VCV001059081.9), dbSNP rs779829454, ClinGen allele CA9834068.

ClinVar aggregate classification (germline): Uncertain significance. Review status: criteria provided, multiple submitters, no conflicts (2 of 4 stars). 4 submissions from 4 submitters: Uncertain significance (2). 2 of the submissions do not count toward it. Last evaluated 2024-10-10.

Submissions (4):

Blueprint Genetics
Classification: Uncertain significance. Last evaluated: 2024-10-10. Review status: criteria provided, single submitter. Criteria: ACMG Guidelines, 2015. Collection method: clinical testing. Allele origin: germline.

Labcorp Genetics (formerly Invitae), Labcorp
Classification: Uncertain significance. Last evaluated: 2023-12-14. Review status: criteria provided, single submitter. Criteria: Invitae Variant Classification Sherloc (09022015). Collection method: clinical testing. Allele origin: germline.
Comment: This variant, c.6451_6462del, results in the deletion of 4 amino acid(s) of the CEP250 protein (p.Glu2151_Arg2154del), but otherwise preserves the integrity of the reading frame. This variant is present in population databases (rs779829454, gnomAD 0.03%). This variant has not been reported in the literature in individuals affected with CEP250-related conditions. ClinVar contains an entry for this variant (Variation ID: 1059081). Experimental studies and prediction algorithms are not available or were not evaluated, and the functional significance of this variant is currently unknown. In summary, the available evidence is currently insufficient to determine the role of this variant in disease. Therefore, it has been classified as a Variant of Uncertain Significance.

Clinical Genetics DNA and cytogenetics Diagnostics Lab, Erasmus MC, Erasmus Medical Center
Classification: Uncertain significance. Review status: no assertion criteria provided. Collection method: clinical testing. Allele origin: germline. Affected: yes. Study: VKGL Data-share Consensus. Not counted in ClinVar's aggregate classification.

Clinical Genetics, Academic Medical Center
Classification: Uncertain significance. Review status: no assertion criteria provided. Collection method: clinical testing. Allele origin: germline. Affected: yes. Study: VKGL Data-share Consensus. Not counted in ClinVar's aggregate classification.